The following is an entry in ClinVar:

ClinVar aggregate classification (germline): Conflicting classifications of pathogenicity. Review status: criteria provided, conflicting classifications (1 of 4 stars). 7 submissions from 7 submitters: Uncertain significance (2); Benign (3); Likely benign (2). Last evaluated 2026-09-01.

Conditions:
Usher syndrome type 2C. Also called: Usher syndrome, type 2B; USHER SYNDROME, TYPE IIC. Identifiers: Orphanet 231178, Orphanet 886, MedGen C2931213, MONDO:0011558, OMIM 605472.

Allele frequency attached by ClinVar (database versions not stated): ESP Exome Variant Server 0.00110; gnomAD 0.00126 and 0.00131; 1000 Genomes Project 0.00040; gnomAD exomes 0.00130 and 0.00151; TOPMed 0.00128; ExAC 0.00133; 1000 Genomes Project 30x 0.00047.
gnomAD v4.1: 2,129 of 1,613,400 alleles (0.13%); highest among the groups gnomAD compares: Admixed American, 0.19%; 10 homozygotes.

Submissions (7):

CeGaT Center for Human Genetics Tuebingen
Classification: Likely benign. Last evaluated: 2026-09-01. Review status: criteria provided, single submitter. Criteria: CeGaT Center For Human Genetics Tuebingen Variant Classification Criteria Version 2. Collection method: clinical testing. Allele origin: germline. Affected: yes. Observed: 2 variant alleles.
Comment: ADGRV1: BP4, BP7

Labcorp Genetics (formerly Invitae), Labcorp
Classification: Benign. Last evaluated: 2026-02-01. Review status: criteria provided, single submitter. Criteria: Invitae Variant Classification Sherloc (09022015). Collection method: clinical testing. Allele origin: germline.

GeneDx
Classification: Benign. Last evaluated: 2019-07-24. Review status: criteria provided, single submitter. Criteria: GeneDx Variant Classification Process June 2021. Collection method: clinical testing. Allele origin: germline. Affected: yes.

ARUP Laboratories, Molecular Genetics and Genomics, ARUP Laboratories
Classification: Benign. Last evaluated: 2018-07-25. Review status: criteria provided, single submitter. Criteria: ARUP Molecular Germline Variant Investigation Process. Collection method: clinical testing. Allele origin: germline.

Illumina Laboratory Services, Illumina
Classification: Uncertain significance for Usher syndrome type 2C. Last evaluated: 2018-01-13. Review status: criteria provided, single submitter. Criteria: ICSL Variant Classification Criteria 13 December 2019. Collection method: clinical testing. Allele origin: germline.

Eurofins Ntd Llc (ga)
Classification: Uncertain significance. Last evaluated: 2016-04-08. Review status: criteria provided, single submitter. Criteria: EGL Classification Definitions 2015. Collection method: clinical testing. Allele origin: germline. Observed: 1 variant allele, 1 heterozygote.

Laboratory for Molecular Medicine, Mass General Brigham Personalized Medicine
Classification: Likely benign. Last evaluated: 2015-08-06. Review status: criteria provided, single submitter. Criteria: LMM Criteria. Collection method: clinical testing. Allele origin: germline. Observed: 4 variant alleles.
Comment: p.Val592Val in exon 9 of GPR98: This variant is not expected to have clinical si gnificance because it does not alter an amino acid residue, is not located withi n the splice consensus sequence and has been identified in 0.2% (142/66510) of E uropean chromosomes by the Exome Aggregation Consortium (ExAC; dbSNP rs184127858).

NM_032119.4(ADGRV1):c.1776C>A (p.Val592=)

Gene: ADGRV1 (adhesion G protein-coupled receptor V1; plus strand). Cytogenetic location: 5q14.3.
Variant type: single nucleotide variant.
Coding change: c.1776C>A on transcript NM_032119.4 (MANE Select); coding-DNA position 1776, C replaced by A.
Protein change: p.Val592=; no amino-acid change (valine 592 retained).
Molecular consequence: synonymous variant. On other transcripts: non-coding transcript variant (1).
Genome position (GRCh38, 1-based): chr5:90,629,476, C>A. VCF-style: chr5-90629476-C-A. GRCh37 (hg19) VCF-style: chr5-89925293-C-A.
Identifiers: ClinVar variation 46293 (VCV000046293.37), dbSNP rs184127858, ClinGen allele CA138071.